The following is an entry in ClinVar:

ClinVar aggregate classification (germline): Likely benign (1 of 4 stars; one submission).

Submission:

CeGaT Center for Human Genetics Tuebingen
Classification: Likely benign. Last evaluated: 2025-02-01. Review status: criteria provided, single submitter. Criteria: CeGaT Center For Human Genetics Tuebingen Variant Classification Criteria Version 2. Collection method: clinical testing. Allele origin: germline. Affected: yes. Observed: 1 variant allele.
Comment: ZNF99: PM2:Supporting, BP4, BP7

NM_001080409.3(ZNF99):c.585T>C (p.His195=)

Gene: ZNF99 (zinc finger protein 99; minus strand). Cytogenetic location: 19p12.
Variant type: single nucleotide variant.
Coding change: c.585T>C on transcript NM_001080409.3 (MANE Select); coding-DNA position 585, T replaced by C.
Protein change: p.His195=; no amino-acid change (histidine 195 retained).
Molecular consequence: synonymous variant.
Genome position (GRCh38, 1-based): chr19:22,759,324, A>G on the plus strand (T>C on the coding strand, the complement: ZNF99 is on the minus strand). VCF-style: chr19-22759324-A-G. GRCh37 (hg19) VCF-style: chr19-22942126-A-G.
Identifiers: ClinVar variation 3772599 (VCV003772599.13).
Genomic context (GRCh38, chr19:22,759,324, plus strand): 5'-GGTTGAGAACCATTTAAAGGCTTTGCCACGTTCTTCACATTTGTAGATATTCTCTCTAGT[A>G]TGAATTCTCTTATGTTGAATTAAGTGTGAAAGCATGAAAAATGATTTGCTACATTTCATA-3'
Protein context (NP_001073878.2, residues 185-205): LSHLIQHKRI[His195=]TRENIYKCEE